The following is an entry in ClinVar:

ClinVar aggregate classification (germline): Likely pathogenic (1 of 4 stars; one submission).

Submission:

GeneDx
Classification: Likely pathogenic. Last evaluated: 2023-12-19. Review status: criteria provided, single submitter. Criteria: GeneDx Variant Classification Process June 2021. Collection method: clinical testing. Allele origin: germline. Affected: yes.
Comment: Frameshift variant predicted to result in protein truncation or nonsense mediated decay in a gene for which loss of function is a known mechanism of disease; Not observed at significant frequency in large population cohorts (gnomAD); Has not been previously published as pathogenic or benign to our knowledge

NM_020791.4(TAOK1):c.426dup (p.His143fs)

Gene: TAOK1 (TAO kinase 1; plus strand). Cytogenetic location: 17q11.2.
Variant type: Duplication.
Coding change: c.426dup on transcript NM_020791.4 (MANE Select); coding-DNA position 426, one base duplicated (A; older notation c.426dupA).
Protein change: p.His143fs; shifts the reading frame from histidine 143.
Molecular consequence: frameshift variant.
Genome position (GRCh38, 1-based): chr17:29,478,324, A duplicated. VCF-style (leftmost placement, unchanged base first): chr17-29478323-T-TA. GRCh37 (hg19) VCF-style: chr17-27805341-T-TA.
Other names: c.426dup, p.His143fs (NM_025142.1); short protein forms H143fs.
Identifiers: ClinVar variation 3342424 (VCV003342424.1).
Genomic context (GRCh38, chr17:29,478,323, plus strand): 5'-CATTACAAGAAGTGGAAATAGCAGCAATTACACATGGTGCTCTTCAGGGATTAGCCTACT[T>TA]ACATTCTCATACTATGATTCATAGGTAAGTGCTTTGGAAATTATATATTGATAAGTAAAT-3'